The following is an entry in ClinVar:

NM_000550.3(TYRP1):c.3G>T (p.Met1Ile)

Gene: TYRP1 (tyrosinase related protein 1; plus strand). Cytogenetic location: 9p23.
Variant type: single nucleotide variant.
Coding change: c.3G>T on transcript NM_000550.3 (MANE Select); coding-DNA position 3, G replaced by T.
Protein change: p.Met1Ile; changes the start codon (methionine 1).
Molecular consequence: missense variant, initiator codon variant.
Genome position (GRCh38, 1-based): chr9:12,693,999, G>T. VCF-style: chr9-12693999-G-T. GRCh37 (hg19) VCF-style: chr9-12693999-G-T.
Other names: short protein forms M1I.
Identifiers: ClinVar variation 2714033 (VCV002714033.3), dbSNP rs1818034687, ClinGen allele CA372935668.
Genomic context (GRCh38, chr9:12,693,999, plus strand): 5'-TTCTCTACACAAAGAGCTGCAAACCAGGTCTTTGTTTTGCACTCTTATTTCAAGCAGAAT[G>T]AGTGCTCCTAAACTCCTCTCTCTGGGCTGTATCTTCTTCCCCTTGCTACTTTTTCAGCAG-3'
Protein context (NP_000541.1, residues 1-11): [Met1Ile]SAPKLLSLGC

ClinVar aggregate classification (germline): Pathogenic (1 of 4 stars; one submission).

Submission:

Labcorp Genetics (formerly Invitae), Labcorp
Classification: Pathogenic. Last evaluated: 2024-01-29. Review status: criteria provided, single submitter. Criteria: Invitae Variant Classification Sherloc (09022015). Collection method: clinical testing. Allele origin: germline.
Comment: This sequence change affects the initiator methionine of the TYRP1 mRNA. The next in-frame methionine is located at codon 40. This variant is not present in population databases (gnomAD no frequency). This variant has not been reported in the literature in individuals affected with TYRP1-related conditions. This variant disrupts a region of the TYRP1 protein in which other variant(s) (p.Pro27Arg) have been determined to be pathogenic (Invitae). This suggests that this is a clinically significant region of the protein, and that variants that disrupt it are likely to be disease-causing. For these reasons, this variant has been classified as Pathogenic.